The following is an entry in ClinVar:

NM_005802.5(TOPORS):c.2681A>C (p.Lys894Thr)

Gene: TOPORS (TOP1 binding arginine/serine rich protein, E3 ubiquitin ligase; minus strand). Cytogenetic location: 9p21.1.
Variant type: single nucleotide variant.
Coding change: c.2681A>C on transcript NM_005802.5 (MANE Select); coding-DNA position 2681, A replaced by C.
Protein change: p.Lys894Thr; replaces lysine 894 with threonine.
Molecular consequence: missense variant.
Genome position (GRCh38, 1-based): chr9:32,541,844, T>G on the plus strand (A>C on the coding strand, the complement: TOPORS is on the minus strand). VCF-style: chr9-32541844-T-G. GRCh37 (hg19) VCF-style: chr9-32541842-T-G.
Other names: c.2486A>C, p.Lys829Thr (NM_001195622.2); short protein forms K829T, K894T.
Identifiers: ClinVar variation 850827 (VCV000850827.10), dbSNP rs776112643, ClinGen allele CA5020326.

ClinVar aggregate classification (germline): Uncertain significance. Review status: criteria provided, multiple submitters, no conflicts (2 of 4 stars). 4 submissions from 4 submitters: Uncertain significance (4). Last evaluated 2026-04-09.

Conditions:
Inborn genetic diseases. Identifiers: MedGen C0950123, MeSH D030342.
TOPORS-related disorder. Also called: TOPORS-related condition.

Allele frequency attached by ClinVar (database versions not stated): gnomAD exomes below 0.00001 and 0.00001; ExAC 0.00001; gnomAD 0.00002; TOPMed 0.00002.
gnomAD v4.1: 7 of 1,614,048 alleles (0.00043%); highest among the groups gnomAD compares: African/African-American, 0.0013%; no homozygotes.

Submissions (4):

PreventionGenetics, part of Exact Sciences
Classification: Uncertain significance for TOPORS-related condition. Last evaluated: 2026-04-09. Review status: criteria provided, single submitter. Criteria: ACMG Guidelines, 2015. Collection method: clinical testing. Allele origin: germline.
Comment: The TOPORS c.2681A>C variant is predicted to result in the amino acid substitution p.Lys894Thr. To our knowledge, this variant has not been reported in the literature. This variant is present in 0.0026% of alleles in individuals of European (Non-Finnish) descent in gnomAD. At this time, the clinical significance of this variant is uncertain due to the absence of conclusive functional and genetic evidence.

Labcorp Genetics (formerly Invitae), Labcorp
Classification: Uncertain significance. Last evaluated: 2025-09-19. Review status: criteria provided, single submitter. Criteria: Invitae Variant Classification Sherloc (09022015). Collection method: clinical testing. Allele origin: germline.
Comment: This sequence change replaces lysine, which is basic and polar, with threonine, which is neutral and polar, at codon 894 of the TOPORS protein (p.Lys894Thr). This variant is present in population databases (rs776112643, gnomAD 0.003%). This variant has not been reported in the literature in individuals affected with TOPORS-related conditions. ClinVar contains an entry for this variant (Variation ID: 850827). Experimental studies and prediction algorithms are not available or were not evaluated, and the functional significance of this variant is currently unknown. In summary, the available evidence is currently insufficient to determine the role of this variant in disease. Therefore, it has been classified as a Variant of Uncertain Significance.

Ambry Genetics
Classification: Uncertain significance for Inborn genetic diseases. Last evaluated: 2024-11-14. Review status: criteria provided, single submitter. Criteria: Ambry Variant Classification Scheme 2023. Collection method: clinical testing. Allele origin: germline.

Blueprint Genetics
Classification: Uncertain significance. Last evaluated: 2019-10-18. Review status: criteria provided, single submitter. Criteria: ACMG Guidelines, 2015. Collection method: clinical testing. Allele origin: germline.